The following is an entry in ClinVar:

ClinVar aggregate classification (germline): Uncertain significance (1 of 4 stars; one submission).

gnomAD v4.1: 3 of 1,610,790 alleles (0.00019%); highest among the groups gnomAD compares: East Asian, 0.0067%; no homozygotes.

Submission:

Labcorp Genetics (formerly Invitae), Labcorp
Classification: Uncertain significance. Last evaluated: 2025-12-11. Review status: criteria provided, single submitter. Criteria: Invitae Variant Classification Sherloc (09022015). Collection method: clinical testing. Allele origin: germline.
Comment: This sequence change replaces glycine, which is neutral and non-polar, with glutamic acid, which is acidic and polar, at codon 423 of the NFKB1 protein (p.Gly423Glu). This variant is present in population databases (rs770903327, gnomAD 0.01%). This variant has not been reported in the literature in individuals affected with NFKB1-related conditions. An algorithm developed to predict the effect of missense changes on protein structure and function (PolyPhen-2) suggests that this variant is likely to be disruptive. In summary, the available evidence is currently insufficient to determine the role of this variant in disease. Therefore, it has been classified as a Variant of Uncertain Significance.

NM_003998.4(NFKB1):c.1268G>A (p.Gly423Glu)

Gene: NFKB1 (nuclear factor kappa B subunit 1; plus strand). Cytogenetic location: 4q24.
Variant type: single nucleotide variant.
Coding change: c.1268G>A on transcript NM_003998.4 (MANE Select); coding-DNA position 1268, G replaced by A.
Protein change: p.Gly423Glu; replaces glycine 423 with glutamic acid.
Molecular consequence: missense variant.
Genome position (GRCh38, 1-based): chr4:102,594,949, G>A. VCF-style: chr4-102594949-G-A. GRCh37 (hg19) VCF-style: chr4-103516106-G-A.
Other names: c.1265G>A, p.Gly422Glu (NM_001165412.2, NM_001319226.2, NM_001382627.1); c.1268G>A, p.Gly423Glu (NM_001382625.1, NM_001382626.1); c.1226G>A, p.Gly409Glu (NM_001382628.1); short protein forms G409E, G423E, G422E.
Identifiers: ClinVar variation 4692548 (VCV004692548.1).